The following is an entry in ClinVar:

ClinVar aggregate classification (germline): Likely pathogenic (0 of 4 stars; one submission).

Conditions:
CHD8-related disorder. Also called: CHD8-related condition; CHD8-related disorders.

Submission:

PreventionGenetics, part of Exact Sciences
Classification: Likely pathogenic for CHD8-related condition. Last evaluated: 2024-05-30. Review status: no assertion criteria provided. Collection method: clinical testing. Allele origin: germline.
Comment: The CHD8 c.1996G>T variant is predicted to result in premature protein termination (p.Glu666*). To our knowledge, this variant has not been reported in the literature or in a large population database, indicating this variant is rare. Nonsense variants in CHD8 are expected to be pathogenic. This variant is interpreted as likely pathogenic.

NM_001170629.2(CHD8):c.1996G>T (p.Glu666Ter)

Gene: CHD8 (chromodomain helicase DNA binding protein 8; minus strand). Cytogenetic location: 14q11.2.
Variant type: single nucleotide variant.
Coding change: c.1996G>T on transcript NM_001170629.2 (MANE Select); coding-DNA position 1996, G replaced by T.
Protein change: p.Glu666Ter; replaces glutamic acid 666 with a stop codon.
Molecular consequence: nonsense.
Genome position (GRCh38, 1-based): chr14:21,414,966, C>A on the plus strand (G>T on the coding strand, the complement: CHD8 is on the minus strand). VCF-style: chr14-21414966-C-A. GRCh37 (hg19) VCF-style: chr14-21883125-C-A.
Other names: c.1159G>T, p.Glu387Ter (NM_020920.4); short protein forms E387*, E666*.
Identifiers: ClinVar variation 3344109 (VCV003344109.1).